The following is an entry in ClinVar:

ClinVar aggregate classification (germline): Uncertain significance (1 of 4 stars; one submission).

Allele frequency attached by ClinVar (database versions not stated): gnomAD exomes below 0.00001; gnomAD 0.00001; TOPMed 0.00001.
gnomAD v4.1: 4 of 1,613,954 alleles (0.00025%); highest among the groups gnomAD compares: Admixed American, 0.0017%; no homozygotes.

Submission:

Labcorp Genetics (formerly Invitae), Labcorp
Classification: Uncertain significance. Last evaluated: 2022-02-02. Review status: criteria provided, single submitter. Criteria: Invitae Variant Classification Sherloc (09022015). Collection method: clinical testing. Allele origin: germline.
Comment: This sequence change replaces alanine, which is neutral and non-polar, with threonine, which is neutral and polar, at codon 281 of the SIRT1 protein (p.Ala281Thr). This variant is not present in population databases (gnomAD no frequency). This variant has not been reported in the literature in individuals affected with SIRT1-related conditions. Algorithms developed to predict the effect of missense changes on protein structure and function are either unavailable or do not agree on the potential impact of this missense change (SIFT: "Deleterious"; PolyPhen-2: "Probably Damaging"; Align-GVGD: "Class C0"). In summary, the available evidence is currently insufficient to determine the role of this variant in disease. Therefore, it has been classified as a Variant of Uncertain Significance.

NM_012238.5(SIRT1):c.841G>A (p.Ala281Thr)

Gene: SIRT1 (sirtuin 1; plus strand). Cytogenetic location: 10q21.3.
Variant type: single nucleotide variant.
Coding change: c.841G>A on transcript NM_012238.5 (MANE Select); coding-DNA position 841, G replaced by A.
Protein change: p.Ala281Thr; replaces alanine 281 with threonine.
Molecular consequence: missense variant. On other transcripts: 5 prime UTR variant (1).
Genome position (GRCh38, 1-based): chr10:67,891,453, G>A. VCF-style: chr10-67891453-G-A. GRCh37 (hg19) VCF-style: chr10-69651211-G-A.
Other names: c.-45G>A (NM_001142498.2); c.-194G>A (NM_001314049.2); short protein forms A281T.
Identifiers: ClinVar variation 1445012 (VCV001445012.3), dbSNP rs1842572334, ClinGen allele CA377039999.